The following is an entry in ClinVar:

NM_002047.4(GARS1):c.1859C>T (p.Pro620Leu)

Gene: GARS1 (glycyl-tRNA synthetase 1; plus strand). Cytogenetic location: 7p14.3.
Variant type: single nucleotide variant.
Coding change: c.1859C>T on transcript NM_002047.4 (MANE Select); coding-DNA position 1859, C replaced by T.
Protein change: p.Pro620Leu; replaces proline 620 with leucine.
Molecular consequence: missense variant.
Genome position (GRCh38, 1-based): chr7:30,631,497, C>T. VCF-style: chr7-30631497-C-T. GRCh37 (hg19) VCF-style: chr7-30671113-C-T.
Other names: c.1697C>T, p.Pro566Leu (NM_001316772.1); short protein forms P566L, P620L.
Identifiers: ClinVar variation 1320703 (VCV001320703.6), dbSNP rs892958904, ClinGen allele CA156060453.

ClinVar aggregate classification (germline): Uncertain significance. Review status: criteria provided, multiple submitters, no conflicts (2 of 4 stars). 2 submissions from 2 submitters: Uncertain significance (2). Last evaluated 2024-05-31.

Conditions:
Charcot-Marie-Tooth disease type 2. Also called: Charcot-Marie-Tooth type 2. Identifiers: Orphanet 64746, MedGen C0270914, MONDO:0018993.

Allele frequency attached by ClinVar (database versions not stated): gnomAD exomes 0.00001 and below 0.00001; TOPMed below 0.00001.
gnomAD v4.1: 2 of 1,613,768 alleles (0.00012%); highest among the groups gnomAD compares: Admixed American, 0.0033%; no homozygotes.

Submissions (2):

Labcorp Genetics (formerly Invitae), Labcorp
Classification: Uncertain significance for Charcot-Marie-Tooth disease type 2. Last evaluated: 2024-05-31. Review status: criteria provided, single submitter. Criteria: Invitae Variant Classification Sherloc (09022015). Collection method: clinical testing. Allele origin: germline.
Comment: This sequence change replaces proline, which is neutral and non-polar, with leucine, which is neutral and non-polar, at codon 620 of the GARS protein (p.Pro620Leu). This variant is present in population databases (no rsID available, gnomAD 0.006%). This variant has not been reported in the literature in individuals affected with GARS-related conditions. ClinVar contains an entry for this variant (Variation ID: 1320703). Advanced modeling of protein sequence and biophysical properties (such as structural, functional, and spatial information, amino acid conservation, physicochemical variation, residue mobility, and thermodynamic stability) performed at Invitae indicates that this missense variant is expected to disrupt GARS protein function with a positive predictive value of 95%. In summary, the available evidence is currently insufficient to determine the role of this variant in disease. Therefore, it has been classified as a Variant of Uncertain Significance.

GeneDx
Classification: Uncertain significance. Last evaluated: 2019-08-14. Review status: criteria provided, single submitter. Criteria: GeneDx Variant Classification Process June 2021. Collection method: clinical testing. Allele origin: germline. Affected: yes.
Comment: In silico analysis, which includes protein predictors and evolutionary conservation, supports a deleterious effect; Has not been previously published as pathogenic or benign to our knowledge